The following is an entry in ClinVar:

NM_000540.3(RYR1):c.14940G>A (p.Thr4980=)

Gene: RYR1 (ryanodine receptor 1; plus strand). Cytogenetic location: 19q13.2.
Variant type: single nucleotide variant.
Coding change: c.14940G>A on transcript NM_000540.3 (MANE Select); coding-DNA position 14940, G replaced by A.
Protein change: p.Thr4980=; no amino-acid change (threonine 4980 retained).
Molecular consequence: synonymous variant.
Genome position (GRCh38, 1-based): chr19:38,586,162, G>A. VCF-style: chr19-38586162-G-A. GRCh37 (hg19) VCF-style: chr19-39076802-G-A.
Other names: c.14925G>A, p.Thr4975= (NM_001042723.2).
Identifiers: ClinVar variation 512207 (VCV000512207.53), dbSNP rs765570755, ClinGen allele CA061842.

ClinVar aggregate classification (germline): Conflicting classifications of pathogenicity. Review status: criteria provided, conflicting classifications (1 of 4 stars). 7 submissions from 7 submitters: Uncertain significance (1); Likely benign (6). Last evaluated 2026-01-31.

Conditions:
RYR1-related disorder. Also called: RYR1-related condition; RYR1-related disorders. Identifiers: MedGen CN239331.
Malignant hyperthermia, susceptibility to, 1 (MHS1). Also called: Anesthesia related hyperthermia; Malignant hyperpyrexia; Fulminating hyperpyrexia; Pharmacogenic myopathy; RYR1-Related Malignant Hyperthermia Susceptibility; Malignant hyperthermia suceptibility 1. Identifiers: Orphanet 423, MedGen C2930980, MONDO:0007783, OMIM 145600.

Allele frequency attached by ClinVar (database versions not stated): gnomAD 0.00001 and 0.00002; ExAC 0.00002; gnomAD exomes 0.00003 and 0.00005; TOPMed 0.00003.
gnomAD v4.1: 78 of 1,613,870 alleles (0.0048%); highest among the groups gnomAD compares: Non-Finnish European, 0.0059%; no homozygotes.

Submissions (7):

Labcorp Genetics (formerly Invitae), Labcorp
Classification: Likely benign for RYR1-related disorder. Last evaluated: 2026-01-31. Review status: criteria provided, single submitter. Criteria: Invitae Variant Classification Sherloc (09022015). Collection method: clinical testing. Allele origin: germline.

All of Us Research Program, National Institutes of Health
Classification: Likely benign for Malignant hyperthermia, susceptibility to, 1. Last evaluated: 2024-01-11. Review status: criteria provided, single submitter. Criteria: ACMG Guidelines, 2015. Collection method: clinical testing. Allele origin: germline. Inheritance: Autosomal dominant inheritance. Observed: 9 variant alleles, 9 heterozygotes.
Comment: This study involves interpretation of variants in research participants for the purpose of population health screening. Participant phenotype was not available at the time of variant classification. Additional details can be found in publication PMID: 35346344, PMCID: PMC8962531

Color Diagnostics, LLC DBA Color Health
Classification: Likely benign for Malignant hyperthermia, susceptibility to, 1. Last evaluated: 2022-05-03. Review status: criteria provided, single submitter. Criteria: ACMG Guidelines, 2015. Collection method: clinical testing. Allele origin: germline.

CeGaT Center for Human Genetics Tuebingen
Classification: Likely benign. Last evaluated: 2022-02-01. Review status: criteria provided, single submitter. Criteria: CeGaT Center For Human Genetics Tuebingen Variant Classification Criteria Version 2. Collection method: clinical testing. Allele origin: germline. Affected: yes. Observed: 1 variant allele.

GeneDx
Classification: Likely benign. Last evaluated: 2020-03-23. Review status: criteria provided, single submitter. Criteria: GeneDx Variant Classification Process June 2021. Collection method: clinical testing. Allele origin: germline. Affected: yes.

Revvity Omics, Revvity
Classification: Uncertain significance. Last evaluated: 2020-03-05. Review status: criteria provided, single submitter. Criteria: ACMG Guidelines, 2015. Collection method: clinical testing. Allele origin: germline.

Breakthrough Genomics
Classification: Likely benign. Review status: criteria provided, single submitter. Criteria: ACMG Guidelines, 2015. Collection method: not provided. Allele origin: germline. Inheritance: Autosomal recessive inheritance. Affected: yes.